The following is an entry in ClinVar:

ClinVar aggregate classification (germline): Likely benign (1 of 4 stars; one submission).

Allele frequency attached by ClinVar (database versions not stated): gnomAD 0.00014 and 0.00020; TOPMed 0.00020; ESP Exome Variant Server 0.00038; gnomAD exomes 0.00043 and 0.00047; ExAC 0.00070; 1000 Genomes Project 0.00080; 1000 Genomes Project 30x 0.00094.
gnomAD v4.1: 656 of 1,610,564 alleles (0.041%); highest among the groups gnomAD compares: South Asian, 0.3%; 5 homozygotes.

Submission:

GeneDx
Classification: Likely benign. Last evaluated: 2017-06-01. Review status: criteria provided, single submitter. Criteria: GeneDx Variant Classification (06012015). Collection method: clinical testing. Allele origin: germline. Affected: yes.
Comment: This variant is considered likely benign or benign based on one or more of the following criteria: it is a conservative change, it occurs at a poorly conserved position in the protein, it is predicted to be benign by multiple in silico algorithms, and/or has population frequency not consistent with disease.

NM_058246.4(DNAJB6):c.*17G>A

Gene: DNAJB6 (DnaJ heat shock protein family (Hsp40) member B6; plus strand). Cytogenetic location: 7q36.3.
Variant type: single nucleotide variant.
Coding change: c.*17G>A on transcript NM_058246.4 (MANE Select); 17 bases downstream of the stop codon, G replaced by A.
Molecular consequence: 3 prime UTR variant.
Genome position (GRCh38, 1-based): chr7:157,416,115, G>A. VCF-style: chr7-157416115-G-A. GRCh37 (hg19) VCF-style: chr7-157208809-G-A.
Other names: c.*17G>A (NM_001363676.1).
Identifiers: ClinVar variation 385378 (VCV000385378.1), dbSNP rs369235805, ClinGen allele CA4590690.